The following is an entry in ClinVar:

ClinVar aggregate classification (germline): Uncertain significance (1 of 4 stars; one submission).

Submission:

GeneDx
Classification: Uncertain significance. Last evaluated: 2025-03-07. Review status: criteria provided, single submitter. Criteria: GeneDx Variant Classification Process June 2021. Collection method: clinical testing. Allele origin: germline. Affected: yes.
Comment: Frameshift variant predicted to result in abnormal protein length as the last 23 amino acid(s) are replaced with 44 different amino acid(s) with an unclear effect on protein function; Not observed at significant frequency in large population cohorts (gnomAD); Has not been previously published as pathogenic or benign to our knowledge; Reported using an alternate transcript of the gene (NM_001243342.1)

NM_017950.4(CCDC40):c.2832+413delinsGGGCACGTGCACGAACAACACGGGACGCGCGCG

Gene: CCDC40 (coiled-coil domain 40 molecular ruler complex subunit; plus strand). Cytogenetic location: 17q25.3.
Variant type: Indel.
Coding change: c.2832+413delinsGGGCACGTGCACGAACAACACGGGACGCGCGCG on transcript NM_017950.4 (MANE Select); 413 bases into the intron after coding-DNA position 2832, the reference bases replaced by an inserted sequence.
Molecular consequence: intron variant. On other transcripts: frameshift variant (1).
Genome position (GRCh38, 1-based): chr17:80,090,297, one base replaced. GRCh37 (hg19), VCF-style position (the base before the change): chr17:78,064,096.
Other names: c.2991delinsGGGCACGTGCACGAACAACACGGGACGCGCGCG, p.Gln1008fs (NM_001243342.2); short protein forms Q1008fs.
Identifiers: ClinVar variation 4082747 (VCV004082747.1).